The following is an entry in ClinVar:

NM_004301.5(ACTL6A):c.349C>T (p.Leu117Phe)

Gene: ACTL6A (actin like 6A; plus strand). Cytogenetic location: 3q26.33.
Variant type: single nucleotide variant.
Coding change: c.349C>T on transcript NM_004301.5 (MANE Select); coding-DNA position 349, C replaced by T.
Protein change: p.Leu117Phe; replaces leucine 117 with phenylalanine.
Molecular consequence: missense variant.
Genome position (GRCh38, 1-based): chr3:179,573,440, C>T. VCF-style: chr3-179573440-C-T. GRCh37 (hg19) VCF-style: chr3-179291228-C-T.
Other names: c.223C>T, p.Leu75Phe (NM_177989.4, NM_178042.4); short protein forms L75F, L117F.
Identifiers: ClinVar variation 5008051 (VCV005008051.1).

ClinVar aggregate classification (germline): Uncertain significance (1 of 4 stars; one submission).

Submission:

GeneDx
Classification: Uncertain significance. Last evaluated: 2026-03-13. Review status: criteria provided, single submitter. Criteria: GeneDx Variant Classification Process June 2021. Collection method: clinical testing. Allele origin: germline.
Comment: Not observed at significant frequency in large population cohorts (gnomAD); In silico analysis suggests that this missense variant does not alter protein structure/function; Has not been previously published as pathogenic or benign to our knowledge